The following is an entry in ClinVar:

NM_006642.5(SDCCAG8):c.295A>G (p.Met99Val)

Gene: SDCCAG8 (SHH signaling and ciliogenesis regulator SDCCAG8; plus strand). Cytogenetic location: 1q43.
Variant type: single nucleotide variant.
Coding change: c.295A>G on transcript NM_006642.5 (MANE Select); coding-DNA position 295, A replaced by G.
Protein change: p.Met99Val; replaces methionine 99 with valine.
Molecular consequence: missense variant. On other transcripts: 5 prime UTR variant (3), initiator codon variant (1).
Genome position (GRCh38, 1-based): chr1:243,271,052, A>G. VCF-style: chr1-243271052-A-G. GRCh37 (hg19) VCF-style: chr1-243434354-A-G.
Other names: c.-818A>G (NM_001350246.2); c.-706A>G (NM_001350247.2); c.295A>G, p.Met99Val (NM_001350248.2); c.1A>G, p.Met1Val (NM_001350249.2); c.-1079A>G (NM_001350251.2); short protein forms M1V, M99V.
Identifiers: ClinVar variation 3347874 (VCV003347874.1).
Genomic context (GRCh38, chr1:243,271,052, plus strand): 5'-GATTTGTTGCGCCAACAAGCAGATAAGGAAAGTGAAGTATCTCCGTCAAGAAGAAGAAAA[A>G]TGTCCCCCTTGGTAAGTATCAACTTTTCCAAGTTGACAAAGCATTCCTGTGTTTTACTGT-3'
Protein context (NP_006633.1, residues 89-109): SEVSPSRRRK[Met99Val]SPLRSLEHEE

ClinVar aggregate classification (germline): Uncertain significance (0 of 4 stars; one submission).

Conditions:
SDCCAG8-related disorder. Also called: SDCCAG8-Related Disorders; SDCCAG8-related condition.

gnomAD v4.1: 1 of 1,609,592 alleles (0.000062%); highest among the groups gnomAD compares: South Asian, 0.0011%; no homozygotes.

Submission:

PreventionGenetics, part of Exact Sciences
Classification: Uncertain significance for SDCCAG8-related condition. Last evaluated: 2024-07-03. Review status: no assertion criteria provided. Collection method: clinical testing. Allele origin: germline.
Comment: The SDCCAG8 c.1A>G variant is predicted to disrupt the translation initiation site (Start Loss). To our knowledge, this variant has not been reported in the literature or in a large population database, indicating this variant is rare. Of note, this variant is also known as c.295A>G (p.Met99Val) on the widely used transcript NM_006642. At this time, the clinical significance of this variant is uncertain due to the absence of conclusive functional and genetic evidence.